The following is an entry in ClinVar:

NM_001365536.1(SCN9A):c.2900T>C (p.Leu967Ser)

Genes: SCN9A (sodium voltage-gated channel alpha subunit 9; minus strand), SCN1A-AS1 (SCN1A and SCN9A antisense RNA 1; plus strand). Cytogenetic location: 2q24.3.
Variant type: single nucleotide variant.
Coding change: c.2900T>C on transcript NM_001365536.1 (MANE Select); coding-DNA position 2900, T replaced by C.
Protein change: p.Leu967Ser; replaces leucine 967 with serine.
Molecular consequence: missense variant.
Genome position (GRCh38, 1-based): chr2:166,272,850, A>G on the plus strand (T>C on the coding strand, the complement: SCN9A is on the minus strand). VCF-style: chr2-166272850-A-G. GRCh37 (hg19) VCF-style: chr2-167129360-A-G.
Other names: c.2867T>C, p.Leu956Ser (NM_002977.4); short protein forms L956S, L967S.
Identifiers: ClinVar variation 3754533 (VCV003754533.2).

ClinVar aggregate classification (germline): Uncertain significance (1 of 4 stars; one submission).

Conditions:
Neuropathy, hereditary sensory and autonomic, type 2A (HSAN2A). Also called: ACROOSTEOLYSIS, GIACCAI TYPE; ACROOSTEOLYSIS, NEUROGENIC; WNK1-Related HSAN2 (HSAN2A); MORVAN DISEASE; NEUROPATHY, CONGENITAL SENSORY; NEUROPATHY, HEREDITARY SENSORY RADICULAR, AUTOSOMAL RECESSIVE. Identifiers: Orphanet 970, MedGen C2752089, MONDO:0024309, OMIM 201300.
Generalized epilepsy with febrile seizures plus, type 7 (GEFSP7). Also called: GEFS+, TYPE 7. Identifiers: Orphanet 36387, MedGen C2751778, MONDO:0013470, OMIM 613863.

Submission:

Labcorp Genetics (formerly Invitae), Labcorp
Classification: Uncertain significance for Neuropathy, hereditary sensory and autonomic, type 2A; Generalized epilepsy with febrile seizures plus, type 7. Last evaluated: 2024-02-09. Review status: criteria provided, single submitter. Criteria: Invitae Variant Classification Sherloc (09022015). Collection method: clinical testing. Allele origin: germline.
Comment: This sequence change replaces leucine, which is neutral and non-polar, with serine, which is neutral and polar, at codon 956 of the SCN9A protein (p.Leu956Ser). This variant is not present in population databases (gnomAD no frequency). This variant has not been reported in the literature in individuals affected with SCN9A-related conditions. Advanced modeling of protein sequence and biophysical properties (such as structural, functional, and spatial information, amino acid conservation, physicochemical variation, residue mobility, and thermodynamic stability) has been performed at Invitae for this missense variant, however the output from this modeling did not meet the statistical confidence thresholds required to predict the impact of this variant on SCN9A protein function. In summary, the available evidence is currently insufficient to determine the role of this variant in disease. Therefore, it has been classified as a Variant of Uncertain Significance.